The following is an entry in ClinVar:

NM_003803.4(MYOM1):c.3804A>T (p.Lys1268Asn)

Gene: MYOM1 (myomesin 1; minus strand). Cytogenetic location: 18p11.31.
Variant type: single nucleotide variant.
Coding change: c.3804A>T on transcript NM_003803.4 (MANE Select); coding-DNA position 3804, A replaced by T.
Protein change: p.Lys1268Asn; replaces lysine 1268 with asparagine.
Molecular consequence: missense variant.
Genome position (GRCh38, 1-based): chr18:3,094,230, T>A on the plus strand (A>T on the coding strand, the complement: MYOM1 is on the minus strand). VCF-style: chr18-3094230-T-A. GRCh37 (hg19) VCF-style: chr18-3094228-T-A.
Other names: c.3516A>T, p.Lys1172Asn (NM_019856.2); short protein forms K1172N, K1268N.
Identifiers: ClinVar variation 3298016 (VCV003298016.1).

ClinVar aggregate classification (germline): Uncertain significance (1 of 4 stars; one submission).

Submission:

Ambry Genetics
Classification: Uncertain significance. Last evaluated: 2024-03-15. Review status: criteria provided, single submitter. Criteria: Ambry Variant Classification Scheme 2023. Collection method: clinical testing. Allele origin: germline.
Comment: The p.K1268N variant (also known as c.3804A>T), located in coding exon 25 of the MYOM1 gene, results from an A to T substitution at nucleotide position 3804. The lysine at codon 1268 is replaced by asparagine, an amino acid with similar properties. This amino acid position is conserved. In addition, this alteration is predicted to be tolerated by in silico analysis. Based on the available evidence, the clinical significance of this alteration remains unclear.